The following is an entry in ClinVar:

ClinVar aggregate classification (germline): Uncertain significance (1 of 4 stars; one submission).

Allele frequency attached by ClinVar (database versions not stated): TOPMed below 0.00001.
gnomAD v4.1: 6 of 1,613,338 alleles (0.00037%); highest among the groups gnomAD compares: Non-Finnish European, 0.00051%; no homozygotes.

Submission:

CeGaT Center for Human Genetics Tuebingen
Classification: Uncertain significance. Last evaluated: 2022-10-01. Review status: criteria provided, single submitter. Criteria: CeGaT Center For Human Genetics Tuebingen Variant Classification Criteria Version 2. Collection method: clinical testing. Allele origin: germline. Affected: yes. Observed: 1 variant allele.
Comment: USP7: PM2, PP2

NM_003470.3(USP7):c.583G>A (p.Val195Ile)

Gene: USP7 (ubiquitin specific peptidase 7; minus strand). Cytogenetic location: 16p13.2.
Variant type: single nucleotide variant.
Coding change: c.583G>A on transcript NM_003470.3 (MANE Select); coding-DNA position 583, G replaced by A.
Protein change: p.Val195Ile; replaces valine 195 with isoleucine.
Molecular consequence: missense variant. On other transcripts: non-coding transcript variant (1).
Genome position (GRCh38, 1-based): chr16:8,920,387, C>T on the plus strand (G>A on the coding strand, the complement: USP7 is on the minus strand). VCF-style: chr16-8920387-C-T. GRCh37 (hg19) VCF-style: chr16-9014244-C-T.
Other names: c.535G>A, p.Val179Ile (NM_001286457.2); c.286G>A, p.Val96Ile (NM_001286458.2); c.409G>A, p.Val137Ile (NM_001321858.2); short protein forms V137I, V179I, V195I, V96I.
Identifiers: ClinVar variation 1879330 (VCV001879330.29), dbSNP rs1897621355, ClinGen allele CA394704506.